The following is an entry in ClinVar:

ClinVar aggregate classification (germline): Conflicting classifications of pathogenicity. Review status: criteria provided, conflicting classifications (1 of 4 stars). 3 submissions from 3 submitters: Uncertain significance (1); Likely benign (2). Last evaluated 2025-12-29.

Conditions:
Cardiovascular phenotype. Identifiers: MedGen CN230736.
Hereditary hemorrhagic telangiectasia (HHT). Also called: ORW DISEASE; Osler Weber Rendu syndrome; OSLER-RENDU-WEBER DISEASE; Osler hemorrhagic telangiectasia syndrome. Identifiers: Orphanet 774, MedGen C0039445, MONDO:0019180. Disease mechanism: loss of function.

Allele frequency attached by ClinVar (database versions not stated): TOPMed 0.00008.
gnomAD v4.1: 45 of 1,597,196 alleles (0.0028%); highest among the groups gnomAD compares: East Asian, 0.027%; 1 homozygote.

Submissions (3):

Ambry Genetics
Classification: Likely benign for Cardiovascular phenotype. Last evaluated: 2025-12-29. Review status: criteria provided, single submitter. Criteria: Ambry Variant Classification Scheme 2023. Collection method: clinical testing. Allele origin: germline.

Labcorp Genetics (formerly Invitae), Labcorp
Classification: Likely benign for Hereditary hemorrhagic telangiectasia. Last evaluated: 2025-07-20. Review status: criteria provided, single submitter. Criteria: Invitae Variant Classification Sherloc (09022015). Collection method: clinical testing. Allele origin: germline.

GeneDx
Classification: Uncertain significance. Last evaluated: 2020-01-22. Review status: criteria provided, single submitter. Criteria: GeneDx Variant Classification Process June 2021. Collection method: clinical testing. Allele origin: germline. Affected: yes.
Comment: Has not been previously published as pathogenic or benign to our knowledge; In silico analysis, which includes protein predictors and evolutionary conservation, supports that this variant does not alter protein structure/function; Reported in ClinVar as a variant of uncertain significance (ClinVar Variant ID# 458349; Landrum et al., 2016)

NM_001114753.3(ENG):c.578C>T (p.Thr193Met)

Gene: ENG (endoglin; minus strand). Cytogenetic location: 9q34.11.
Variant type: single nucleotide variant.
Coding change: c.578C>T on transcript NM_001114753.3 (MANE Select); coding-DNA position 578, C replaced by T.
Protein change: p.Thr193Met; replaces threonine 193 with methionine.
Molecular consequence: missense variant.
Genome position (GRCh38, 1-based): chr9:127,825,806, G>A on the plus strand (C>T on the coding strand, the complement: ENG is on the minus strand). VCF-style: chr9-127825806-G-A. GRCh37 (hg19) VCF-style: chr9-130588085-G-A.
Other names: c.578C>T, p.Thr193Met (NM_000118.4, NM_001406715.1); c.32C>T, p.Thr11Met (NM_001278138.2); c.578C>T (NM_001114753.1, NM_000118.2); short protein forms T193M, T11M.
Identifiers: ClinVar variation 458349 (VCV000458349.13), dbSNP rs775442178, ClinGen allele CA5253082.